The following is an entry in ClinVar:

ClinVar aggregate classification (germline): Uncertain significance. Review status: criteria provided, multiple submitters, no conflicts (2 of 4 stars). 2 submissions from 2 submitters: Uncertain significance (2). Last evaluated 2025-12-04.

Conditions:
Inborn genetic diseases. Identifiers: MedGen C0950123, MeSH D030342.

gnomAD v4.1: 3 of 1,614,230 alleles (0.00019%); highest among the groups gnomAD compares: African/African-American, 0.0013%; no homozygotes.

Submissions (2):

Ambry Genetics
Classification: Uncertain significance for Inborn genetic diseases. Last evaluated: 2025-12-04. Review status: criteria provided, single submitter. Criteria: Ambry Variant Classification Scheme 2023. Collection method: clinical testing. Allele origin: germline.

Labcorp Genetics (formerly Invitae), Labcorp
Classification: Uncertain significance. Last evaluated: 2021-09-10. Review status: criteria provided, single submitter. Criteria: Invitae Variant Classification Sherloc (09022015). Collection method: clinical testing. Allele origin: germline.
Comment: This sequence change replaces serine with cysteine at codon 1859 of the ANKRD17 protein (p.Ser1859Cys). The serine residue is moderately conserved and there is a moderate physicochemical difference between serine and cysteine. This variant is not present in population databases (ExAC no frequency). This variant has not been reported in the literature in individuals affected with ANKRD17-related conditions. Algorithms developed to predict the effect of missense changes on protein structure and function are either unavailable or do not agree on the potential impact of this missense change (SIFT: "Not Available"; PolyPhen-2: "Benign"; Align-GVGD: "Not Available"). In summary, the available evidence is currently insufficient to determine the role of this variant in disease. Therefore, it has been classified as a Variant of Uncertain Significance.

NM_032217.5(ANKRD17):c.5576C>G (p.Ser1859Cys)

Gene: ANKRD17 (ankyrin repeat domain 17; minus strand). Cytogenetic location: 4q13.3.
Variant type: single nucleotide variant.
Coding change: c.5576C>G on transcript NM_032217.5 (MANE Select); coding-DNA position 5576, C replaced by G.
Protein change: p.Ser1859Cys; replaces serine 1859 with cysteine.
Molecular consequence: missense variant.
Genome position (GRCh38, 1-based): chr4:73,092,052, G>C on the plus strand (C>G on the coding strand, the complement: ANKRD17 is on the minus strand). VCF-style: chr4-73092052-G-C. GRCh37 (hg19) VCF-style: chr4-73957769-G-C.
Other names: c.5237C>G, p.Ser1746Cys (NM_001286771.3); c.5573C>G, p.Ser1858Cys (NM_015574.2); c.4823C>G, p.Ser1608Cys (NM_198889.3); c.5576C>G (NM_032217.3); short protein forms S1858C, S1859C, S1608C, S1746C.
Identifiers: ClinVar variation 1352389 (VCV001352389.2), dbSNP rs757492754, ClinGen allele CA99659257.